The following is an entry in ClinVar:

ClinVar aggregate classification (germline): Uncertain significance (1 of 4 stars; one submission).

Conditions:
Cardiovascular phenotype. Identifiers: MedGen CN230736.

Submission:

Ambry Genetics
Classification: Uncertain significance for Cardiovascular phenotype. Last evaluated: 2022-11-02. Review status: criteria provided, single submitter. Criteria: Ambry Variant Classification Scheme 2023. Collection method: clinical testing. Allele origin: germline.
Comment: The p.A11S variant (also known as c.31G>T), located in coding exon 1 of the CBL gene, results from a G to T substitution at nucleotide position 31. The alanine at codon 11 is replaced by serine, an amino acid with similar properties. This amino acid position is conserved. In addition, this alteration is predicted to be tolerated by in silico analysis. Since supporting evidence is limited at this time, the clinical significance of this alteration remains unclear.

NM_005188.4(CBL):c.31G>T (p.Ala11Ser)

Genes: CBL (Cbl proto-oncogene; plus strand), LOC130006895 (ATAC-STARR-seq lymphoblastoid silent region 3975; plus strand). Cytogenetic location: 11q23.3.
Variant type: single nucleotide variant.
Coding change: c.31G>T on transcript NM_005188.4 (MANE Select); coding-DNA position 31, G replaced by T.
Protein change: p.Ala11Ser; replaces alanine 11 with serine.
Molecular consequence: missense variant.
Genome position (GRCh38, 1-based): chr11:119,206,448, G>T. VCF-style: chr11-119206448-G-T. GRCh37 (hg19) VCF-style: chr11-119077158-G-T.
Other names: short protein forms A11S.
Identifiers: ClinVar variation 2452996 (VCV002452996.2), dbSNP rs2496819112, ClinGen allele CA382975701.
Genomic context (GRCh38, chr11:119,206,448, plus strand): 5'-ACCCGCCTGGGCTCCGACCCTGCCCAGGCCATGGCCGGCAACGTGAAGAAGAGCTCTGGG[G>T]CCGGGGGCGGCAGCGGCTCCGGGGGCTCGGGTTCGGGTGGCCTGATTGGGCTCATGAAGG-3'
Protein context (NP_005179.2, residues 1-21): MAGNVKKSSG[Ala11Ser]GGGSGSGGSG